The following is an entry in ClinVar:

ClinVar aggregate classification (germline): Likely pathogenic (1 of 4 stars; one submission).

Conditions:
Schaaf-Yang syndrome (SHFYNG). Also called: MAGEL2-related Prader-Willi-like syndrome; Arthrogryposis, distal, with hypopituitarism, intellectual disability, and facial anomalies. Identifiers: Orphanet 398069, MedGen C5575066, MONDO:0014243, OMIM 615547.

Submission:

Juno Genomics, Hangzhou Juno Genomics, Inc
Classification: Likely pathogenic for Schaaf-Yang syndrome. Review status: criteria provided, single submitter. Criteria: ACMG Guidelines, 2015. Collection method: clinical testing. Allele origin: germline. Affected: yes.
Comment: Absent from controls (or at extremely low frequency if recessive) in Genome Aggregation Database, Exome Sequencing Project, 1000 Genomes Project, or Exome Aggregation Consortium.;Null variant in a gene where loss of function (LOF) is a known mechanism of disease.

NM_019066.5(MAGEL2):c.1653dup (p.Pro552fs)

Gene: MAGEL2 (MAGE family member L2; minus strand). Cytogenetic location: 15q11.2.
Variant type: Duplication.
Coding change: c.1653dup on transcript NM_019066.5 (MANE Select); coding-DNA position 1653, one base duplicated (A; older notation c.1653dupA).
Protein change: p.Pro552fs; shifts the reading frame from proline 552.
Molecular consequence: frameshift variant.
Genome position (GRCh38, 1-based): chr15:23,646,090, T duplicated on the plus strand (A on the coding strand, the reverse complement: MAGEL2 is on the minus strand). VCF-style (leftmost placement, unchanged base first): chr15-23646089-G-GT. GRCh37 (hg19) VCF-style: chr15-23891236-G-GT.
Other names: short protein forms P552fs.
Identifiers: ClinVar variation 3899376 (VCV003899376.2).